The following is an entry in ClinVar:

ClinVar aggregate classification (germline): Uncertain significance (1 of 4 stars; one submission).

Submission:

Labcorp Genetics (formerly Invitae), Labcorp
Classification: Uncertain significance. Last evaluated: 2021-12-30. Review status: criteria provided, single submitter. Criteria: Invitae Variant Classification Sherloc (09022015). Collection method: clinical testing. Allele origin: germline.
Comment: This sequence change replaces lysine, which is basic and polar, with arginine, which is basic and polar, at codon 240 of the EIF2AK2 protein (p.Lys240Arg). This variant is not present in population databases (gnomAD no frequency). This variant has not been reported in the literature in individuals affected with EIF2AK2-related conditions. Algorithms developed to predict the effect of missense changes on protein structure and function output the following: SIFT: "Tolerated"; PolyPhen-2: "Benign"; Align-GVGD: "Class C0". The arginine amino acid residue is found in multiple mammalian species, which suggests that this missense change does not adversely affect protein function. In summary, the available evidence is currently insufficient to determine the role of this variant in disease. Therefore, it has been classified as a Variant of Uncertain Significance.

NM_001135651.3(EIF2AK2):c.719A>G (p.Lys240Arg)

Gene: EIF2AK2 (eukaryotic translation initiation factor 2 alpha kinase 2; minus strand). Cytogenetic location: 2p22.2.
Variant type: single nucleotide variant.
Coding change: c.719A>G on transcript NM_001135651.3 (MANE Select); coding-DNA position 719, A replaced by G.
Protein change: p.Lys240Arg; replaces lysine 240 with arginine.
Molecular consequence: missense variant.
Genome position (GRCh38, 1-based): chr2:37,136,986, T>C on the plus strand (A>G on the coding strand, the complement: EIF2AK2 is on the minus strand). VCF-style: chr2-37136986-T-C. GRCh37 (hg19) VCF-style: chr2-37364129-T-C.
Other names: c.719A>G, p.Lys240Arg (NM_001135652.3, NM_002759.4); short protein forms K240R.
Identifiers: ClinVar variation 2066667 (VCV002066667.4), dbSNP rs2465331300, ClinGen allele CA346315500.